The following is an entry in ClinVar:

NM_003900.5(SQSTM1):c.908C>T (p.Ala303Val)

Gene: SQSTM1 (sequestosome 1; plus strand). Cytogenetic location: 5q35.3.
Variant type: single nucleotide variant.
Coding change: c.908C>T on transcript NM_003900.5 (MANE Select); coding-DNA position 908, C replaced by T.
Protein change: p.Ala303Val; replaces alanine 303 with valine.
Molecular consequence: missense variant.
Genome position (GRCh38, 1-based): chr5:179,833,185, C>T. VCF-style: chr5-179833185-C-T. GRCh37 (hg19) VCF-style: chr5-179260185-C-T.
Other names: p.Ala303Val; c.656C>T, p.Ala219Val (NM_001142298.2, NM_001142299.2); c.908C>T (NM_003900.4); short protein forms A219V, A303V.
Identifiers: ClinVar variation 1099977 (VCV001099977.12), dbSNP rs143746604, ClinGen allele CA3600721.

ClinVar aggregate classification (germline): Conflicting classifications of pathogenicity. Review status: criteria provided, conflicting classifications (1 of 4 stars). 3 submissions from 3 submitters: Uncertain significance (2); Likely benign (1). Last evaluated 2026-09-21.

Conditions:
Paget disease of bone 2, early-onset (PDB2). Also called: Paget disease of bone 2. Identifiers: MedGen C4085251, MONDO:0011183, OMIM 602080.
Frontotemporal dementia and/or amyotrophic lateral sclerosis 1 (FTDALS1). Also called: C9orf72 Frontotemporal Dementia and/or Amyotrophic Lateral Sclerosis; Frontotemporal dementia with motor neuron disease 1. Identifiers: Orphanet 275872, MedGen C5779877, MONDO:0007105, OMIM 105550.

Allele frequency attached by ClinVar (database versions not stated): gnomAD exomes 0.00003 and 0.00008; ExAC 0.00008; ESP Exome Variant Server 0.00008; 1000 Genomes Project 30x 0.00016; 1000 Genomes Project 0.00020; gnomAD 0.00024 and 0.00026; TOPMed 0.00029.
gnomAD v4.1: 83 of 1,613,670 alleles (0.0051%); highest among the groups gnomAD compares: African/African-American, 0.095%; no homozygotes.

Submissions (3):

GeneDx
Classification: Uncertain significance. Last evaluated: 2026-09-21. Review status: criteria provided, single submitter. Criteria: GeneDx Variant Classification Process June 2021. Collection method: clinical testing. Allele origin: germline.
Comment: In silico analysis suggests that this missense variant does not alter protein structure/function; Has not been previously published as pathogenic or benign to our knowledge

Labcorp Genetics (formerly Invitae), Labcorp
Classification: Likely benign for Paget disease of bone 2, early-onset; Frontotemporal dementia and/or amyotrophic lateral sclerosis 1. Last evaluated: 2025-12-08. Review status: criteria provided, single submitter. Criteria: Invitae Variant Classification Sherloc (09022015). Collection method: clinical testing. Allele origin: germline.

Mayo Clinic Laboratories, Mayo Clinic
Classification: Uncertain significance. Last evaluated: 2024-12-28. Review status: criteria provided, single submitter. Criteria: ACMG Guidelines, 2015. Collection method: clinical testing. Allele origin: germline. Observed: 1 variant allele.
Comment: BP4